The following is an entry in ClinVar:

ClinVar aggregate classification (germline): Uncertain significance (1 of 4 stars; one submission).

Conditions:
Joubert syndrome 14 (JBTS14). Identifiers: MedGen C3280766, MONDO:0013745, OMIM 614424.

Submission:

Labcorp Genetics (formerly Invitae), Labcorp
Classification: Uncertain significance for Joubert syndrome 14. Last evaluated: 2022-06-24. Review status: criteria provided, single submitter. Criteria: Invitae Variant Classification Sherloc (09022015). Collection method: clinical testing. Allele origin: germline.
Comment: In summary, the available evidence is currently insufficient to determine the role of this variant in disease. Therefore, it has been classified as a Variant of Uncertain Significance. Algorithms developed to predict the effect of missense changes on protein structure and function are either unavailable or do not agree on the potential impact of this missense change (SIFT: "Deleterious"; PolyPhen-2: "Benign"; Align-GVGD: "Class C0"). This variant has not been reported in the literature in individuals affected with TMEM237-related conditions. This variant is not present in population databases (gnomAD no frequency). This sequence change replaces glycine, which is neutral and non-polar, with valine, which is neutral and non-polar, at codon 52 of the TMEM237 protein (p.Gly52Val).

NM_001044385.3(TMEM237):c.155G>T (p.Gly52Val)

Gene: TMEM237 (transmembrane protein 237; minus strand). Cytogenetic location: 2q33.1.
Variant type: single nucleotide variant.
Coding change: c.155G>T on transcript NM_001044385.3 (MANE Select); coding-DNA position 155, G replaced by T.
Protein change: p.Gly52Val; replaces glycine 52 with valine.
Molecular consequence: missense variant.
Genome position (GRCh38, 1-based): chr2:201,636,867, C>A on the plus strand (G>T on the coding strand, the complement: TMEM237 is on the minus strand). VCF-style: chr2-201636867-C-A. GRCh37 (hg19) VCF-style: chr2-202501590-C-A.
Other names: c.131G>T, p.Gly44Val (NM_152388.4); short protein forms G44V, G52V.
Identifiers: ClinVar variation 2010065 (VCV002010065.4), dbSNP rs1488249909, ClinGen allele CA350316024.
Genomic context (GRCh38, chr2:201,636,867, plus strand): 5'-AGTTCTTTAGTTGATGGCTCATTGCCCTCAGAGGGCCTTCGACCAGCAGTCTGAGCAAGG[C>A]CTTCCAAAGAAGCACTTGCTATAGAAAAACAGAGTAGAAAAAAATGAGATTACTTGAGCA-3'
Protein context (NP_001037850.1, residues 42-62): KNTPASASLE[Gly52Val]LAQTAGRRPS